The following is an entry in ClinVar:

ClinVar aggregate classification (germline): Uncertain significance. Review status: criteria provided, multiple submitters, no conflicts (2 of 4 stars). 3 submissions from 3 submitters: Uncertain significance (3). Last evaluated 2025-01-29.

Conditions:
Inborn genetic diseases. Identifiers: MedGen C0950123, MeSH D030342.
Greenberg dysplasia (GRBGD). Also called: CHONDRODYSTROPHY, HYDROPIC AND PRENATALLY LETHAL TYPE; MOTH-EATEN SKELETAL DYSPLASIA; HEM SKELETAL DYSPLASIA. Identifiers: Orphanet 1426, MedGen C2931048, MONDO:0008974, OMIM 215140.

Allele frequency attached by ClinVar (database versions not stated): gnomAD 0.00001 and 0.00002; 1000 Genomes Project 30x 0.00031; 1000 Genomes Project 0.00040.
gnomAD v4.1: 61 of 1,614,174 alleles (0.0038%); highest among the groups gnomAD compares: South Asian, 0.054%; no homozygotes.

Submissions (3):

Ambry Genetics
Classification: Uncertain significance for Inborn genetic diseases. Last evaluated: 2025-01-29. Review status: criteria provided, single submitter. Criteria: Ambry Variant Classification Scheme 2023. Collection method: clinical testing. Allele origin: germline.

Labcorp Genetics (formerly Invitae), Labcorp
Classification: Uncertain significance. Last evaluated: 2022-06-28. Review status: criteria provided, single submitter. Criteria: Invitae Variant Classification Sherloc (09022015). Collection method: clinical testing. Allele origin: germline.
Comment: This variant is present in population databases (rs531565954, gnomAD 0.03%). This sequence change replaces threonine, which is neutral and polar, with methionine, which is neutral and non-polar, at codon 443 of the LBR protein (p.Thr443Met). This variant has not been reported in the literature in individuals affected with LBR-related conditions. In summary, the available evidence is currently insufficient to determine the role of this variant in disease. Therefore, it has been classified as a Variant of Uncertain Significance. Algorithms developed to predict the effect of missense changes on protein structure and function are either unavailable or do not agree on the potential impact of this missense change (SIFT: "Tolerated"; PolyPhen-2: "Probably Damaging"; Align-GVGD: "Class C0"). ClinVar contains an entry for this variant (Variation ID: 295933).

Illumina Laboratory Services, Illumina
Classification: Uncertain significance for Greenberg dysplasia. Last evaluated: 2018-01-12. Review status: criteria provided, single submitter. Criteria: ICSL Variant Classification Criteria 13 December 2019. Collection method: clinical testing. Allele origin: germline.

NM_002296.4(LBR):c.1328C>T (p.Thr443Met)

Gene: LBR (lamin B receptor; minus strand). Cytogenetic location: 1q42.12.
Variant type: single nucleotide variant.
Coding change: c.1328C>T on transcript NM_002296.4 (MANE Select); coding-DNA position 1328, C replaced by T.
Protein change: p.Thr443Met; replaces threonine 443 with methionine.
Molecular consequence: missense variant.
Genome position (GRCh38, 1-based): chr1:225,406,819, G>A on the plus strand (C>T on the coding strand, the complement: LBR is on the minus strand). VCF-style: chr1-225406819-G-A. GRCh37 (hg19) VCF-style: chr1-225594521-G-A.
Other names: c.1328C>T, p.Thr443Met (NM_194442.3); short protein forms T443M.
Identifiers: ClinVar variation 295933 (VCV000295933.11), dbSNP rs531565954, ClinGen allele CA1417164.